The following is an entry in ClinVar:

NM_000046.5(ARSB):c.284G>T (p.Arg95Leu)

Genes: ARSB (arylsulfatase B; minus strand), LOC129994126 (ATAC-STARR-seq lymphoblastoid silent region 16127; plus strand). Cytogenetic location: 5q14.1.
Variant type: single nucleotide variant.
Coding change: c.284G>T on transcript NM_000046.5 (MANE Select); coding-DNA position 284, G replaced by T.
Protein change: p.Arg95Leu; replaces arginine 95 with leucine.
Molecular consequence: missense variant.
Genome position (GRCh38, 1-based): chr5:78,984,965, C>A on the plus strand (G>T on the coding strand, the complement: ARSB is on the minus strand). VCF-style: chr5-78984965-C-A. GRCh37 (hg19) VCF-style: chr5-78280788-C-A.
Other names: c.284G>T, p.Arg95Leu (NM_198709.3); short protein forms R95L.
Identifiers: ClinVar variation 1465582 (VCV001465582.6), dbSNP rs118203942, ClinGen allele CA360196401.

ClinVar aggregate classification (germline): Likely pathogenic (1 of 4 stars; one submission).

Conditions:
Mucopolysaccharidosis type 6 (MPS6). Also called: MPS VI; ARSB DEFICIENCY; ARYLSULFATASE B DEFICIENCY; N-ACETYLGALACTOSAMINE-4-SULFATASE DEFICIENCY; MPS 6; Maroteaux Lamy syndrome. Identifiers: Orphanet 583, MedGen C0026709, MONDO:0009661, OMIM 253200.

Submission:

Labcorp Genetics (formerly Invitae), Labcorp
Classification: Likely pathogenic for Mucopolysaccharidosis type 6. Last evaluated: 2021-10-27. Review status: criteria provided, single submitter. Criteria: Invitae Variant Classification Sherloc (09022015). Collection method: clinical testing. Allele origin: germline.
Comment: This sequence change replaces arginine, which is basic and polar, with leucine, which is neutral and non-polar, at codon 95 of the ARSB protein (p.Arg95Leu). In summary, the currently available evidence indicates that the variant is pathogenic, but additional data are needed to prove that conclusively. Therefore, this variant has been classified as Likely Pathogenic. This variant disrupts the p.Arg95 amino acid residue in ARSB. Other variant(s) that disrupt this residue have been determined to be pathogenic (Invitae). This suggests that this residue is clinically significant, and that variants that disrupt this residue are likely to be disease-causing. Advanced modeling of protein sequence and biophysical properties (such as structural, functional, and spatial information, amino acid conservation, physicochemical variation, residue mobility, and thermodynamic stability) performed at Invitae indicates that this missense variant is expected to disrupt ARSB protein function. This variant has not been reported in the literature in individuals affected with ARSB-related conditions. This variant is not present in population databases (gnomAD no frequency).